The following is an entry in ClinVar:

ClinVar aggregate classification (germline): Uncertain significance. Review status: criteria provided, multiple submitters, no conflicts (2 of 4 stars). 2 submissions from 2 submitters: Uncertain significance (2). Last evaluated 2025-12-08.

Conditions:
Inborn genetic diseases. Identifiers: MedGen C0950123, MeSH D030342.
Combined oxidative phosphorylation defect type 17. Also called: Combined oxidative phosphorylation deficiency 17. Identifiers: Orphanet 369913, MedGen C3809526, MONDO:0014190, OMIM 615440.

Allele frequency attached by ClinVar (database versions not stated): TOPMed 0.00001; gnomAD exomes 0.00002; ExAC 0.00010; gnomAD 0.00001.
gnomAD v4.1: 34 of 1,611,336 alleles (0.0021%); highest among the groups gnomAD compares: South Asian, 0.027%; no homozygotes.

Submissions (2):

Labcorp Genetics (formerly Invitae), Labcorp
Classification: Uncertain significance for Combined oxidative phosphorylation defect type 17. Last evaluated: 2025-12-08. Review status: criteria provided, single submitter. Criteria: Invitae Variant Classification Sherloc (09022015). Collection method: clinical testing. Allele origin: germline.
Comment: This sequence change replaces proline, which is neutral and non-polar, with leucine, which is neutral and non-polar, at codon 572 of the ELAC2 protein (p.Pro572Leu). This variant is present in population databases (rs764448766, gnomAD 0.04%). This variant has not been reported in the literature in individuals affected with ELAC2-related conditions. ClinVar contains an entry for this variant (Variation ID: 2147195). Invitae Evidence Modeling of protein sequence and biophysical properties (such as structural, functional, and spatial information, amino acid conservation, physicochemical variation, residue mobility, and thermodynamic stability) indicates that this missense variant is not expected to disrupt ELAC2 protein function with a negative predictive value of 80%. In summary, the available evidence is currently insufficient to determine the role of this variant in disease. Therefore, it has been classified as a Variant of Uncertain Significance.

Ambry Genetics
Classification: Uncertain significance for Inborn genetic diseases. Last evaluated: 2025-11-08. Review status: criteria provided, single submitter. Criteria: Ambry Variant Classification Scheme 2023. Collection method: clinical testing. Allele origin: germline.

NM_018127.7(ELAC2):c.1715C>T (p.Pro572Leu)

Gene: ELAC2 (elaC ribonuclease Z 2; minus strand). Cytogenetic location: 17p12.
Variant type: single nucleotide variant.
Coding change: c.1715C>T on transcript NM_018127.7 (MANE Select); coding-DNA position 1715, C replaced by T.
Protein change: p.Pro572Leu; replaces proline 572 with leucine.
Molecular consequence: missense variant.
Genome position (GRCh38, 1-based): chr17:12,995,796, G>A on the plus strand (C>T on the coding strand, the complement: ELAC2 is on the minus strand). VCF-style: chr17-12995796-G-A. GRCh37 (hg19) VCF-style: chr17-12899113-G-A.
Other names: c.1715C>T (NM_018127.6); c.1595C>T, p.Pro532Leu (NM_001165962.2); c.1712C>T, p.Pro571Leu (NM_173717.2); short protein forms P532L, P572L, P571L.
Identifiers: ClinVar variation 2147195 (VCV002147195.4), dbSNP rs764448766, ClinGen allele CA8401086.